The following is an entry in ClinVar:

ClinVar aggregate classification (germline): Uncertain significance (1 of 4 stars; one submission).

Allele frequency attached by ClinVar (database versions not stated): TOPMed below 0.00001.

Submission:

Labcorp Genetics (formerly Invitae), Labcorp
Classification: Uncertain significance. Last evaluated: 2020-01-06. Review status: criteria provided, single submitter. Criteria: Invitae Variant Classification Sherloc (09022015). Collection method: clinical testing. Allele origin: germline.
Comment: This sequence change replaces lysine with arginine at codon 1516 of the KIAA1549 protein (p.Lys1516Arg). The lysine residue is highly conserved and there is a small physicochemical difference between lysine and arginine. In summary, the available evidence is currently insufficient to determine the role of this variant in disease. Therefore, it has been classified as a Variant of Uncertain Significance. Algorithms developed to predict the effect of missense changes on protein structure and function are either unavailable or do not agree on the potential impact of this missense change (SIFT: "Tolerated"; PolyPhen-2: "Probably Damaging"; Align-GVGD: "Class C0"). This variant has not been reported in the literature in individuals with KIAA1549-related conditions. This variant is not present in population databases (ExAC no frequency).

NM_001164665.2(KIAA1549):c.4547A>G (p.Lys1516Arg)

Gene: KIAA1549 (KIAA1549; minus strand). Cytogenetic location: 7q34.
Variant type: single nucleotide variant.
Coding change: c.4547A>G on transcript NM_001164665.2 (MANE Select); coding-DNA position 4547, A replaced by G.
Protein change: p.Lys1516Arg; replaces lysine 1516 with arginine.
Molecular consequence: missense variant.
Genome position (GRCh38, 1-based): chr7:138,871,161, T>C on the plus strand (A>G on the coding strand, the complement: KIAA1549 is on the minus strand). VCF-style: chr7-138871161-T-C. GRCh37 (hg19) VCF-style: chr7-138555907-T-C.
Other names: c.4547A>G, p.Lys1516Arg (NM_020910.3); short protein forms K1516R.
Identifiers: ClinVar variation 998554 (VCV000998554.9), dbSNP rs1335968571, ClinGen allele CA369374408.